The following is an entry in ClinVar:

NM_001048166.1(STIL):c.2362G>A (p.Val788Ile)

Gene: STIL (STIL centriolar assembly protein; minus strand). Cytogenetic location: 1p33.
Variant type: single nucleotide variant.
Coding change: c.2362G>A on transcript NM_001048166.1 (MANE Select); coding-DNA position 2362, G replaced by A.
Protein change: p.Val788Ile; replaces valine 788 with isoleucine.
Molecular consequence: missense variant.
Genome position (GRCh38, 1-based): chr1:47,272,097, C>T on the plus strand (G>A on the coding strand, the complement: STIL is on the minus strand). VCF-style: chr1-47272097-C-T. GRCh37 (hg19) VCF-style: chr1-47737769-C-T.
Other names: c.2362G>A, p.Val788Ile (NM_001282936.1, NM_001282937.1, NM_003035.2); c.2221G>A, p.Val741Ile (NM_001282938.1, NM_001282939.1); short protein forms V788I, V741I.
Identifiers: ClinVar variation 194209 (VCV000194209.18), dbSNP rs149697952, ClinGen allele CA240072.
Genomic context (GRCh38, chr1:47,272,097, plus strand): 5'-TAACAATTTCCTTACAAATTAAAAAAAAACTGAAATTACCTGTGCTCACAGCAATGCTTA[C>T]ACCTTTTCTCATGTGCAAGCCAGGGGAAGACTGTGCTTCCACAGAAACCAACTCCATTTG-3'
Protein context (NP_001041631.1, residues 778-798): SSPGLHMRKG[Val788Ile]SIAVSTGASL

ClinVar aggregate classification (germline): Conflicting classifications of pathogenicity. Review status: criteria provided, conflicting classifications (1 of 4 stars). 8 submissions from 8 submitters: Uncertain significance (6); Likely benign (1). 1 of the submissions does not count toward it. Last evaluated 2025-10-12.

Conditions:
STIL-related disorder. Also called: STIL-related condition.
Inborn genetic diseases. Identifiers: MedGen C0950123, MeSH D030342.
Microcephaly 7, primary, autosomal recessive. Identifiers: Orphanet 2512, MedGen C2675187, MONDO:0012989, OMIM 612703.

Allele frequency attached by ClinVar (database versions not stated): 1000 Genomes Project 30x 0.00031; 1000 Genomes Project 0.00040; ExAC 0.00069; gnomAD exomes 0.00082 and 0.00183; gnomAD 0.00106 and 0.00111; TOPMed 0.00106; ESP Exome Variant Server 0.00138.
gnomAD v4.1: 2,837 of 1,614,110 alleles (0.18%); highest among the groups gnomAD compares: Non-Finnish European, 0.22%; 3 homozygotes.

Submissions (8):

Labcorp Genetics (formerly Invitae), Labcorp
Classification: Uncertain significance. Last evaluated: 2025-10-12. Review status: criteria provided, single submitter. Criteria: Invitae Variant Classification Sherloc (09022015). Collection method: clinical testing. Allele origin: germline.
Comment: This sequence change replaces valine, which is neutral and non-polar, with isoleucine, which is neutral and non-polar, at codon 788 of the STIL protein (p.Val788Ile). This variant is present in population databases (rs149697952, gnomAD 0.2%), including at least one homozygous and/or hemizygous individual. This variant has not been reported in the literature in individuals affected with STIL-related conditions. ClinVar contains an entry for this variant (Variation ID: 194209). Invitae Evidence Modeling of protein sequence and biophysical properties (such as structural, functional, and spatial information, amino acid conservation, physicochemical variation, residue mobility, and thermodynamic stability) indicates that this missense variant is expected to disrupt STIL protein function with a positive predictive value of 80%. Algorithms developed to predict the effect of sequence changes on RNA splicing suggest that this variant may create or strengthen a splice site. In summary, the available evidence is currently insufficient to determine the role of this variant in disease. Therefore, it has been classified as a Variant of Uncertain Significance.

Ambry Genetics
Classification: Likely benign for Inborn genetic diseases. Last evaluated: 2021-12-30. Review status: criteria provided, single submitter. Criteria: Ambry Variant Classification Scheme 2023. Collection method: clinical testing. Allele origin: germline.

GeneDx
Classification: Uncertain significance. Last evaluated: 2020-02-11. Review status: criteria provided, single submitter. Criteria: GeneDx Variant Classification Process June 2021. Collection method: clinical testing. Allele origin: germline. Affected: yes.
Comment: In silico analysis supports that this missense variant has a deleterious effect on protein structure/function; Has not been previously reported as pathogenic or benign to our knowledge; This variant is associated with the following publications: (PMID: 23772360)

Athena Diagnostics
Classification: Uncertain significance. Last evaluated: 2019-03-28. Review status: criteria provided, single submitter. Criteria: Athena Diagnostics Criteria. Collection method: clinical testing. Allele origin: germline.

Fulgent Genetics
Classification: Uncertain significance for Microcephaly 7, primary, autosomal recessive. Last evaluated: 2018-10-31. Review status: criteria provided, single submitter. Criteria: ACMG Guidelines, 2015. Collection method: clinical testing. Allele origin: unknown.

Illumina Laboratory Services, Illumina
Classification: Uncertain significance for Microcephaly 7, primary, autosomal recessive. Last evaluated: 2018-01-12. Review status: criteria provided, single submitter. Criteria: ICSL Variant Classification Criteria 13 December 2019. Collection method: clinical testing. Allele origin: germline.

Eurofins Ntd Llc (ga)
Classification: Uncertain significance. Last evaluated: 2016-07-13. Review status: criteria provided, single submitter. Criteria: EGL Classification Definitions 2015. Collection method: clinical testing. Allele origin: germline. Observed: 2 variant alleles, 2 heterozygotes.

PreventionGenetics, part of Exact Sciences
Classification: Likely benign for STIL-related condition. Last evaluated: 2022-09-23. Review status: no assertion criteria provided. Collection method: clinical testing. Allele origin: germline. Not counted in ClinVar's aggregate classification.
Comment: This variant is classified as likely benign based on ACMG/AMP sequence variant interpretation guidelines (Richards et al. 2015 PMID: 25741868, with internal and published modifications).

Literature cited by the submitters: PubMed 23772360 (cited by Athena Diagnostics).